The following is an entry in ClinVar:

ClinVar aggregate classification (germline): Uncertain significance (1 of 4 stars; one submission).

Submission:

Labcorp Genetics (formerly Invitae), Labcorp
Classification: Uncertain significance. Last evaluated: 2022-07-26. Review status: criteria provided, single submitter. Criteria: Invitae Variant Classification Sherloc (09022015). Collection method: clinical testing. Allele origin: germline.
Comment: This variant is not present in population databases (gnomAD no frequency). This sequence change replaces glutamine, which is neutral and polar, with lysine, which is basic and polar, at codon 90 of the TOPORS protein (p.Gln90Lys). This variant has not been reported in the literature in individuals affected with TOPORS-related conditions. Algorithms developed to predict the effect of missense changes on protein structure and function are either unavailable or do not agree on the potential impact of this missense change (SIFT: "Deleterious"; PolyPhen-2: "Benign"; Align-GVGD: "Class C0"). In summary, the available evidence is currently insufficient to determine the role of this variant in disease. Therefore, it has been classified as a Variant of Uncertain Significance.

NM_005802.5(TOPORS):c.268C>A (p.Gln90Lys)

Gene: TOPORS (TOP1 binding arginine/serine rich protein, E3 ubiquitin ligase; minus strand). Cytogenetic location: 9p21.1.
Variant type: single nucleotide variant.
Coding change: c.268C>A on transcript NM_005802.5 (MANE Select); coding-DNA position 268, C replaced by A.
Protein change: p.Gln90Lys; replaces glutamine 90 with lysine.
Molecular consequence: missense variant.
Genome position (GRCh38, 1-based): chr9:32,544,257, G>T on the plus strand (C>A on the coding strand, the complement: TOPORS is on the minus strand). VCF-style: chr9-32544257-G-T. GRCh37 (hg19) VCF-style: chr9-32544255-G-T.
Other names: c.73C>A, p.Gln25Lys (NM_001195622.2); short protein forms Q25K, Q90K.
Identifiers: ClinVar variation 1713850 (VCV001713850.5), dbSNP rs1821113658, ClinGen allele CA373173033.